The following is an entry in ClinVar:

ClinVar aggregate classification (germline): Uncertain significance (1 of 4 stars; one submission).

Conditions:
Wilms tumor 1 (WT1). Also called: Wilms tumor, somatic. Identifiers: Orphanet 654, MedGen CN033288, MONDO:0008679, OMIM 194070.

Submission:

Labcorp Genetics (formerly Invitae), Labcorp
Classification: Uncertain significance for Wilms tumor 1. Last evaluated: 2019-10-29. Review status: criteria provided, single submitter. Criteria: Invitae Variant Classification Sherloc (09022015). Collection method: clinical testing. Allele origin: germline.
Comment: In summary, the available evidence is currently insufficient to determine the role of this variant in disease. Therefore, it has been classified as a Variant of Uncertain Significance. Experimental studies and prediction algorithms are not available or were not evaluated, and the functional significance of this variant is currently unknown. This variant has not been reported in the literature in individuals with GPC3-related conditions. This variant is not present in population databases (ExAC no frequency). This variant, c.90_91insACG, results in the insertion of 1 amino acid(s) to the GPC3 protein (p.Pro30_Pro31insThr), but otherwise preserves the integrity of the reading frame.

NM_004484.4(GPC3):c.90_91insACG (p.Pro30_Pro31insThr)

Gene: GPC3 (glypican 3; minus strand). Cytogenetic location: Xq26.2.
Variant type: Insertion.
Coding change: c.90_91insACG on transcript NM_004484.4 (MANE Select); coding-DNA positions 90 to 91, ACG inserted.
Protein change: p.Pro30_Pro31insThr.
Molecular consequence: inframe insertion.
Genome position: GRCh38 VCF-style: chrX-133985359-G-GCGT. GRCh37 (hg19) VCF-style: chrX-133119386-G-GCGT.
Other names: c.90_91insACG, p.Pro30_Pro31insThr (NM_001164617.2, NM_001164618.2, NM_001164619.2).
Identifiers: ClinVar variation 967508 (VCV000967508.10), dbSNP rs1210386432, ClinGen allele CA871724645.
Genomic context (GRCh38, chrX:133,985,359, plus strand): 5'-ACTTGAGTCCGGGCTGCAGTCTCTGGAAGAAGGAGCGGACTTGGTGACAGGTGGCGTCCG[G>GCGT]CGGCGGCGGCGGGGGCTGCGCCTGTCCCGGGAAGTCCAAGCTGAGCAGCATCGCCACCAC-3'